The following is an entry in ClinVar:

NM_003060.4(SLC22A5):c.695C>T (p.Thr232Met)

Gene: SLC22A5 (solute carrier family 22 member 5; plus strand). Cytogenetic location: 5q31.1.
Variant type: single nucleotide variant.
Coding change: c.695C>T on transcript NM_003060.4 (MANE Select); coding-DNA position 695, C replaced by T.
Protein change: p.Thr232Met; replaces threonine 232 with methionine.
Molecular consequence: missense variant.
Genome position (GRCh38, 1-based): chr5:132,385,370, C>T. VCF-style: chr5-132385370-C-T. GRCh37 (hg19) VCF-style: chr5-131721062-C-T.
Other names: c.767C>T, p.Thr256Met (NM_001308122.2); short protein forms T256M.
Identifiers: ClinVar variation 25386 (VCV000025386.54), dbSNP rs114269482, ClinGen allele CA342644.

ClinVar aggregate classification (germline): Pathogenic/Likely pathogenic. Review status: criteria provided, multiple submitters, no conflicts (2 of 4 stars). 20 submissions from 20 submitters: Pathogenic (17); Likely pathogenic (2). 1 of the submissions does not count toward it. Last evaluated 2026-09-23.

Conditions:
Acute rhabdomyolysis. Identifiers: MedGen C3807306, HP:0008942.
Carnitine deficiency. Identifiers: MedGen C1142132.
SLC22A5-related disorder. Also called: SLC22A5-related condition.
Renal carnitine transport defect (CDSP). Also called: CARNITINE DEFICIENCY, SYSTEMIC, DUE TO DEFECT IN RENAL REABSORPTION OF CARNITINE; CARNITINE TRANSPORTER, PLASMA-MEMBRANE, DEFICIENCY OF; CARNITINE UPTAKE DEFECT; Primary carnitine deficiency; Carnitine transporter deficiency; Systemic primary carnitine deficiency disease. Identifiers: Orphanet 158, MedGen C0342788, MONDO:0008919, OMIM 212140.

Allele frequency attached by ClinVar (database versions not stated): ExAC 0.00013; TOPMed 0.00017; gnomAD 0.00018 and 0.00019; ESP Exome Variant Server 0.00015; 1000 Genomes Project 0.00060; gnomAD exomes 0.00009; 1000 Genomes Project 30x 0.00094.
gnomAD v4.1: 219 of 1,614,052 alleles (0.014%); highest among the groups gnomAD compares: African/African-American, 0.02%; no homozygotes.

Submissions 1 to 14 of 20:

PreventionGenetics, part of Exact Sciences
Classification: Pathogenic for SLC22A5-related condition. Last evaluated: 2026-09-23. Review status: criteria provided, single submitter. Criteria: ACMG Guidelines, 2015. Collection method: clinical testing. Allele origin: germline.
Comment: The SLC22A5 c.695C>T variant is predicted to result in the amino acid substitution p.Thr232Met. This variant has been reported, in the homozygous or compound heterozygous state, in numerous patients with newborn screening results or clinical features suggestive of primary carnitine deficiency (e.g., Dobrowolski et al. 2005. PubMed ID: 15714519; Li et al. 2010. PubMed ID: 20574985; Frigeni et al. 2017. PubMed ID: 28841266; Chen et al. 2021. PubMed ID: 33560599). In vitro functional studies showed that this variant lead to markedly reduced carnitine transport relative to wild-type (Dobrowolski et al. 2005. PubMed ID: 15714519; Frigeni et al. 2017. PubMed ID: 28841266). This variant is reported in 0.017% of alleles in individuals of Latino descent in gnomAD. Based on the collective evidence, this variant is interpreted as pathogenic.

Labcorp Genetics (formerly Invitae), Labcorp
Classification: Pathogenic for Renal carnitine transport defect. Last evaluated: 2026-01-26. Review status: criteria provided, single submitter. Criteria: Invitae Variant Classification Sherloc (09022015). Collection method: clinical testing. Allele origin: germline.
Comment: This sequence change replaces threonine, which is neutral and polar, with methionine, which is neutral and non-polar, at codon 232 of the SLC22A5 protein (p.Thr232Met). This variant is present in population databases (rs114269482, gnomAD 0.02%). This missense change has been observed in individuals with primary carnitine deficiency (PMID: 15714519, 20574985, 23520115; internal data). ClinVar contains an entry for this variant (Variation ID: 25386). Invitae Evidence Modeling of protein sequence and biophysical properties (such as structural, functional, and spatial information, amino acid conservation, physicochemical variation, residue mobility, and thermodynamic stability) has been performed for this missense variant. However, the output from this modeling did not meet the statistical confidence thresholds required to predict the impact of this variant on SLC22A5 protein function. Experimental studies have shown that this missense change affects SLC22A5 function (PMID: 15714519, 21922592). For these reasons, this variant has been classified as Pathogenic.

NHS Central & South Genomic Laboratory Hub
Classification: Likely pathogenic for Acute Rhabdomyolysis. Last evaluated: 2025-10-21. Review status: criteria provided, single submitter. Criteria: ACMG Guidelines, 2015. Collection method: clinical testing. Allele origin: germline. Affected: yes.

Natera, Inc.
Classification: Pathogenic for Carnitine deficiency. Last evaluated: 2025-09-26. Review status: criteria provided, single submitter. Criteria: Natera Variant Classification Schema (03/2026). Collection method: clinical testing. Allele origin: germline.
Comment: The c.695C>T variant in SLC22A5 is a missense variant predicted to cause substitution of threonine to methionine at amino acid 232. This variant is rare in the general population with a frequency below the threshold expected for the associated phenotype(s). This variant has been observed in one or more individuals affected with the associated recessive disease, as either homozygous or compound heterozygous with a second variant (PMID: 28841266, 20574985). Computational prediction algorithms indicate this variant is likely to affect gene or protein function. Given the available evidence, this variant is classified as Pathogenic.

GeneDx
Classification: Pathogenic. Last evaluated: 2025-09-03. Review status: criteria provided, single submitter. Criteria: GeneDx Variant Classification Process June 2021. Collection method: clinical testing. Allele origin: germline. Affected: yes.
Comment: Published functional studies found that T232M is associated with significantly impaired carnitine transport (PMID: 16652335, 15714519, 21922592); In silico analysis supports that this missense variant has a deleterious effect on protein structure/function; In silico analysis suggests this variant may impact gene splicing. In the absence of RNA/functional studies, the actual effect of this sequence change is unknown; This variant is associated with the following publications: (PMID: 16652335, 20981092, 16602102, 34863234, 34704412, 32371215, 33560599, 33757571, 33181153, 31980526, 32371413, 23520115, 15714519, 20574985, 21922592, 20027113, 25087612, 22995991, 28841266, 28711408, 29614331, 29750726, 32778825, 37498360, 38187300, 35314707)

Dasa
Classification: Pathogenic. Last evaluated: 2025-05-17. Review status: criteria provided, single submitter. Criteria: DASA Assertion Criteria. Collection method: clinical testing. Allele origin: germline.
Comment: NM_003060.4(SLC22A5):c.695C>T (p.Thr232Met) results in a threonine-to-methionine substitution. Functional studies demonstrate reduced carnitine transport activity (PMID: 15714519, 16652335). The variant has been reported in individuals with systemic primary carnitine deficiency in trans with another pathogenic variant and is present at low frequency in population datasets. Multiple computational predictions support a deleterious effect on the gene or gene product. Based on the available data, this variant is classified as pathogenic.

Women's Health and Genetics/Laboratory Corporation of America, LabCorp
Classification: Pathogenic for Renal carnitine transport defect. Last evaluated: 2025-03-05. Review status: criteria provided, single submitter. Criteria: LabCorp Variant Classification Summary - May 2015. Collection method: clinical testing. Allele origin: germline.
Comment: Variant summary: SLC22A5 c.695C>T (p.Thr232Met) results in a non-conservative amino acid change in the encoded protein sequence. Three of three in-silico tools predict a damaging effect of the variant on protein function. The variant allele was found at a frequency of 9.1e-05 in 251486 control chromosomes. This frequency is not significantly higher than estimated for a pathogenic variant in SLC22A5 causing Systemic Primary Carnitine Deficiency (9.1e-05 vs 0.0046), allowing no conclusion about variant significance. c.695C>T has been reported in the literature in multiple individuals affected with Systemic Primary Carnitine Deficiency (e.g., Dobrowolski_2005, Li_2010, El-Hattab-2010). These data indicate that the variant is very likely to be associated with disease. At least one publication reports experimental evidence evaluating an impact on protein function. The most pronounced variant effect results in <10% of normal activity (Dobrowolski_2005). The following publications have been ascertained in the context of this evaluation (PMID: 16652335, 15714519, 20027113, 20574985). ClinVar contains an entry for this variant (Variation ID: 25386). Based on the evidence outlined above, the variant was classified as pathogenic.

Greenwood Genetic Center Diagnostic Laboratories, Greenwood Genetic Center
Classification: Pathogenic for Renal carnitine transport defect. Last evaluated: 2024-12-09. Review status: criteria provided, single submitter. Criteria: ACMG Guidelines, 2015. Collection method: clinical testing. Allele origin: germline. Affected: yes.
Comment: PS3, PM2, PM3_Very Strong, PP3

Fulgent Genetics
Classification: Pathogenic for Renal carnitine transport defect. Last evaluated: 2024-04-08. Review status: criteria provided, single submitter. Criteria: ACMG Guidelines, 2015. Collection method: clinical testing. Allele origin: germline.

Blueprint Genetics
Classification: Pathogenic for SLC22A5-related disorders. Last evaluated: 2024-02-26. Review status: criteria provided, single submitter. Criteria: ACMG Guidelines, 2015. Collection method: clinical testing. Allele origin: germline. Affected: yes. Observed: 5 variant alleles.

Department of Pathology and Laboratory Medicine, Sinai Health System
Classification: Pathogenic for Renal carnitine transport defect. Last evaluated: 2023-11-10. Review status: criteria provided, single submitter. Criteria: ACMG Guidelines, 2015. Collection method: research. Allele origin: germline.

Revvity Omics, Revvity
Classification: Pathogenic for Renal carnitine transport defect. Last evaluated: 2023-11-09. Review status: criteria provided, single submitter. Criteria: ACMG Guidelines, 2015. Collection method: clinical testing. Allele origin: germline.

Mayo Clinic Laboratories, Mayo Clinic
Classification: Pathogenic. Last evaluated: 2023-04-25. Review status: criteria provided, single submitter. Criteria: ACMG Guidelines, 2015. Collection method: clinical testing. Allele origin: germline. Observed: 2 variant alleles.
Comment: PM3_very_strong, PS3_moderate

Genome-Nilou Lab
Classification: Likely pathogenic for Renal carnitine transport defect. Last evaluated: 2021-07-15. Review status: criteria provided, single submitter. Criteria: ACMG Guidelines, 2015. Collection method: clinical testing. Allele origin: germline. Affected: no.